The following is an entry in ClinVar:

ClinVar aggregate classification (germline): Uncertain significance (1 of 4 stars; one submission).

Allele frequency attached by ClinVar (database versions not stated): TOPMed below 0.00001.

Submission:

GeneDx
Classification: Uncertain significance. Last evaluated: 2023-04-07. Review status: criteria provided, single submitter. Criteria: GeneDx Variant Classification Process June 2021. Collection method: clinical testing. Allele origin: germline.
Comment: Not observed at significant frequency in large population cohorts (gnomAD); In silico analysis supports that this missense variant has a deleterious effect on protein structure/function; Has not been previously published as pathogenic or benign to our knowledge

NM_002471.4(MYH6):c.699T>A (p.Asn233Lys)

Gene: MYH6 (myosin heavy chain 6; minus strand). Cytogenetic location: 14q11.2.
Variant type: single nucleotide variant.
Coding change: c.699T>A on transcript NM_002471.4 (MANE Select); coding-DNA position 699, T replaced by A.
Protein change: p.Asn233Lys; replaces asparagine 233 with lysine.
Molecular consequence: missense variant.
Genome position (GRCh38, 1-based): chr14:23,404,332, A>T on the plus strand (T>A on the coding strand, the complement: MYH6 is on the minus strand). VCF-style: chr14-23404332-A-T. GRCh37 (hg19) VCF-style: chr14-23873541-A-T.
Other names: short protein forms N233K.
Identifiers: ClinVar variation 2428891 (VCV002428891.4), dbSNP rs1891707454, ClinGen allele CA389029002.